The following is an entry in ClinVar:

ClinVar aggregate classification (germline): Uncertain significance. Review status: criteria provided, multiple submitters, no conflicts (2 of 4 stars). 2 submissions from 2 submitters: Uncertain significance (2). Last evaluated 2026-07-23.

Conditions:
Charcot-Marie-Tooth disease type 2. Also called: Charcot-Marie-Tooth type 2. Identifiers: Orphanet 64746, MedGen C0270914, MONDO:0018993.

Submissions (2):

Ambry Genetics
Classification: Uncertain significance. Last evaluated: 2026-07-23. Review status: criteria provided, single submitter. Criteria: Ambry Variant Classification Scheme 2023. Collection method: clinical testing. Allele origin: germline.
Comment: The c.1889_1890delAA variant, located in coding exon 18 of the KIF1B gene, results from a deletion of two nucleotides at nucleotide positions 1889 to 1890, causing a translational frameshift with a predicted alternate stop codon (p.Q630Rfs*32). The evidence for this gene-disease relationship is limited; therefore, the clinical significance of this variant is unclear.

Labcorp Genetics (formerly Invitae), Labcorp
Classification: Uncertain significance for Charcot-Marie-Tooth disease type 2. Last evaluated: 2025-02-04. Review status: criteria provided, single submitter. Criteria: Invitae Variant Classification Sherloc (09022015). Collection method: clinical testing. Allele origin: germline.
Comment: This sequence change creates a premature translational stop signal (p.Gln630Argfs*32) in the KIF1B gene. It is expected to result in an absent or disrupted protein product. However, the current clinical and genetic evidence is not sufficient to establish whether loss-of-function variants in KIF1B cause disease. This variant is present in population databases (no rsID available, gnomAD 0.0009%). This variant has not been reported in the literature in individuals affected with KIF1B-related conditions. In summary, the available evidence is currently insufficient to determine the role of this variant in disease. Therefore, it has been classified as a Variant of Uncertain Significance.

NM_001365951.3(KIF1B):c.2027_2028del (p.Gln676fs)

Gene: KIF1B (kinesin family member 1B; plus strand). Cytogenetic location: 1p36.22.
Variant type: Deletion.
Coding change: c.2027_2028del on transcript NM_001365951.3 (MANE Select); coding-DNA positions 2027 to 2028, 2 bases deleted (AA; older notation c.2027_2028delAA).
Protein change: p.Gln676fs; shifts the reading frame from glutamine 676.
Molecular consequence: frameshift variant.
Genome position (GRCh38, 1-based): chr1:10,297,062-10,297,063, AA deleted. VCF-style (leftmost placement, unchanged base first): chr1-10297061-CAA-C. GRCh37 (hg19) VCF-style: chr1-10357119-CAA-C.
Other names: c.2027_2028del, p.Gln676fs (NM_001365952.1); c.1889_1890del, p.Gln630fs (NM_001365953.1, NM_015074.3, NM_183416.4); c.1889_1890delAA (NM_015074.3); short protein forms Q630fs, Q676fs.
Identifiers: ClinVar variation 4753101 (VCV004753101.2).